The following is an entry in ClinVar:

ClinVar aggregate classification (germline): Uncertain significance (1 of 4 stars; one submission).

gnomAD v4.1: 2 of 1,469,450 alleles (0.00014%); highest among the groups gnomAD compares: East Asian, 0.0027%; no homozygotes.

Submission:

GeneDx
Classification: Uncertain significance. Last evaluated: 2024-04-08. Review status: criteria provided, single submitter. Criteria: GeneDx Variant Classification Process June 2021. Collection method: clinical testing. Allele origin: germline. Affected: yes.
Comment: Not observed at significant frequency in large population cohorts (gnomAD); In silico analysis supports that this missense variant has a deleterious effect on protein structure/function; Has not been previously published as pathogenic or benign to our knowledge

NM_001393504.1(MAST3):c.2212A>G (p.Ser738Gly)

Gene: MAST3 (microtubule associated serine/threonine kinase 3; plus strand). Cytogenetic location: 19p13.11.
Variant type: single nucleotide variant.
Coding change: c.2212A>G on transcript NM_001393504.1 (MANE Select); coding-DNA position 2212, A replaced by G.
Protein change: p.Ser738Gly; replaces serine 738 with glycine.
Molecular consequence: missense variant.
Genome position (GRCh38, 1-based): chr19:18,141,888, A>G. VCF-style: chr19-18141888-A-G. GRCh37 (hg19) VCF-style: chr19-18252698-A-G.
Other names: c.2236A>G, p.Ser746Gly (NM_001393501.1); c.2215A>G, p.Ser739Gly (NM_001393502.1); c.2212A>G, p.Ser738Gly (NM_001393503.1); c.2209A>G, p.Ser737Gly (NM_001393505.1); c.2164A>G, p.Ser722Gly (NM_001393506.1, NM_001393513.1); c.2191A>G, p.Ser731Gly (NM_001393507.1); c.2146A>G, p.Ser716Gly (NM_001393508.1, NM_001393516.1); c.2143A>G, p.Ser715Gly (NM_001393509.1, NM_001393510.1, NM_001393512.1 and 2 more transcripts); and 4 more; short protein forms S700G, S708G, S709G, S714G, S715G, S716G, S722G, S731G.
Identifiers: ClinVar variation 3372067 (VCV003372067.1).
Genomic context (GRCh38, chr19:18,141,888, plus strand): 5'-TTACAGGCATGAGCCACCGCACCCGGCTTACCATTCTTTTGTCTTGCCTCCCAGGTCTAC[A>G]GCAGCTCTGAGTTCCTGGCCGTCCAGCCCACTCCTACCTTCGCTGAAAGGAGCTTCAGTG-3'
Protein context (NP_001380433.1, residues 728-748): SCSHRFSKVY[Ser738Gly]SSEFLAVQPT